The following is an entry in ClinVar:

NM_024675.4(PALB2):c.1031del (p.Asn344fs)

Gene: PALB2 (partner and localizer of BRCA2; minus strand). Cytogenetic location: 16p12.2.
Variant type: Deletion.
Coding change: c.1031del on transcript NM_024675.4 (MANE Select); coding-DNA position 1031, one base deleted (A; older notation c.1031delA).
Protein change: p.Asn344fs; shifts the reading frame from asparagine 344.
Molecular consequence: frameshift variant.
Genome position (GRCh38, 1-based): chr16:23,635,515, T deleted on the plus strand (A on the coding strand, the reverse complement: PALB2 is on the minus strand); the first of 4 consecutive T bases (chr16:23,635,515-23,635,518); deleting any one gives the same sequence. VCF-style (leftmost placement, unchanged base first): chr16-23635514-GT-G. GRCh37 (hg19) VCF-style: chr16-23646835-GT-G.
Other names: c.1031delA (NM_024675.3); short protein forms N344fs.
Identifiers: ClinVar variation 480252 (VCV000480252.17), dbSNP rs1485260432, ClinGen allele CA621661750.

ClinVar aggregate classification (germline): Pathogenic. Review status: criteria provided, multiple submitters, no conflicts (2 of 4 stars). 5 submissions from 5 submitters: Pathogenic (5). Last evaluated 2026-01-29.

Conditions:
Breast-ovarian cancer, familial, susceptibility to, 5 (BROVCA5). Identifiers: MedGen C5830615, MONDO:0957530, OMIM 620442.
Pancreatic cancer, susceptibility to, 3. Identifiers: Orphanet 1333, MedGen C3150547, MONDO:0013236, OMIM 613348.
Fanconi anemia complementation group N. Also called: PALB2-Related Fanconi Anemia. Identifiers: Orphanet 84, MedGen C1835817, MONDO:0012565, OMIM 610832. Disease mechanism: loss of function.
Hereditary cancer-predisposing syndrome. Also called: Hereditary neoplastic syndrome; Tumor predisposition; Neoplastic Syndromes, Hereditary; Hereditary Cancer Syndrome. Identifiers: Orphanet 140162, MedGen C0027672, MeSH D009386, MONDO:0015356.
Familial cancer of breast. Also called: hereditary breast carcinoma; BREAST CANCER, FAMILIAL; Hereditary breast cancer. Identifiers: Orphanet 227535, MedGen C0346153, MONDO:0016419, OMIM 114480. Disease mechanism: loss of function.

Submissions (5):

Myriad Genetics, Inc.
Classification: Pathogenic for Familial cancer of breast. Last evaluated: 2026-01-29. Review status: criteria provided, single submitter. Criteria: Myriad Autosomal Dominant, Autosomal Recessive and X-Linked Classification Criteria (2023). Collection method: clinical testing. Allele origin: unknown.
Comment: This variant is considered pathogenic. This variant creates a frameshift predicted to result in premature protein truncation.

Labcorp Genetics (formerly Invitae), Labcorp
Classification: Pathogenic for Familial cancer of breast. Last evaluated: 2023-03-27. Review status: criteria provided, single submitter. Criteria: Invitae Variant Classification Sherloc (09022015). Collection method: clinical testing. Allele origin: germline.
Comment: For these reasons, this variant has been classified as Pathogenic. ClinVar contains an entry for this variant (Variation ID: 480252). This variant has not been reported in the literature in individuals affected with PALB2-related conditions. This variant is present in population databases (no rsID available, gnomAD 0.06%). This sequence change creates a premature translational stop signal (p.Asn344Thrfs*2) in the PALB2 gene. It is expected to result in an absent or disrupted protein product. Loss-of-function variants in PALB2 are known to be pathogenic (PMID: 17200668, 17200671, 17200672, 24136930, 25099575).

Color Diagnostics, LLC DBA Color Health
Classification: Pathogenic for Hereditary cancer-predisposing syndrome. Last evaluated: 2020-08-20. Review status: criteria provided, single submitter. Criteria: ACMG Guidelines, 2015. Collection method: clinical testing. Allele origin: germline.
Comment: This variant deletes 1 nucleotide in exon 4 of the PALB2 gene, creating a frameshift and premature translation stop signal. This variant is expected to result in an absent or non-functional protein product. To our knowledge, this variant has not been reported in individuals affected with hereditary cancer in the literature. This variant has been identified in 1/31396 chromosomes in the general population by the Genome Aggregation Database (gnomAD). Loss of PALB2 function is a known mechanism of disease. Based on the available evidence, this variant is classified as Pathogenic.

Ambry Genetics
Classification: Pathogenic for Hereditary cancer-predisposing syndrome. Last evaluated: 2016-04-26. Review status: criteria provided, single submitter. Criteria: Ambry Variant Classification Scheme 2023. Collection method: clinical testing. Allele origin: germline.
Comment: The c.1031delA pathogenic mutation, located in coding exon 4 of the PALB2 gene, results from a deletion of one nucleotide at nucleotide position 1031, causing a translational frameshift with a predicted alternate stop codon. This alteration is expected to result in loss of function by premature protein truncation or nonsense-mediated mRNA decay. As such, this alteration is interpreted as a disease-causing mutation.

Juno Genomics, Hangzhou Juno Genomics, Inc
Classification: Pathogenic for Breast-ovarian cancer, familial, susceptibility to, 5; Pancreatic cancer, susceptibility to, 3; Fanconi anemia complementation group N. Review status: criteria provided, single submitter. Criteria: ACMG Guidelines, 2015. Collection method: clinical testing. Allele origin: germline.
Comment: Null variant in a gene where loss of function (LOF) is a known mechanism of disease.;The prevalence of the variant in affected individuals is significantly increased compared to the prevalence in controls.

Literature cited by the submitters: PubMed 17200668 (cited by Labcorp Genetics (formerly Invitae), Labcorp); PubMed 17200671 (cited by Labcorp Genetics (formerly Invitae), Labcorp); PubMed 17200672 (cited by Labcorp Genetics (formerly Invitae), Labcorp); PubMed 24136930 (cited by Labcorp Genetics (formerly Invitae), Labcorp); PubMed 25099575 (cited by Labcorp Genetics (formerly Invitae), Labcorp).